The following is an entry in ClinVar:

NM_032217.5(ANKRD17):c.98C>G (p.Ala33Gly)

Genes: ANKRD17 (ankyrin repeat domain 17; minus strand), LOC129992670 (ATAC-STARR-seq lymphoblastoid silent region 15476; plus strand). Cytogenetic location: 4q13.3.
Variant type: single nucleotide variant.
Coding change: c.98C>G on transcript NM_032217.5 (MANE Select); coding-DNA position 98, C replaced by G.
Protein change: p.Ala33Gly; replaces alanine 33 with glycine.
Molecular consequence: missense variant.
Genome position (GRCh38, 1-based): chr4:73,258,571, G>C on the plus strand (C>G on the coding strand, the complement: ANKRD17 is on the minus strand). VCF-style: chr4-73258571-G-C. GRCh37 (hg19) VCF-style: chr4-74124288-G-C.
Other names: c.98C>G, p.Ala33Gly (NM_015574.2, NM_198889.3); short protein forms A33G.
Identifiers: ClinVar variation 2629373 (VCV002629373.2), dbSNP rs1348263346, ClinGen allele CA357436092.

ClinVar aggregate classification (germline): Uncertain significance (1 of 4 stars; one submission).

Conditions:
ANKRD17-related disorder. Also called: ANKRD17-related condition.

gnomAD v4.1: 1 of 1,458,524 alleles (0.000069%); highest among the groups gnomAD compares: Admixed American, 0.0026%; no homozygotes.

Submission:

PreventionGenetics, part of Exact Sciences
Classification: Uncertain significance for ANKRD17-related condition. Last evaluated: 2025-10-28. Review status: criteria provided, single submitter. Criteria: ACMG Guidelines, 2015. Collection method: clinical testing. Allele origin: germline.
Comment: The ANKRD17 c.98C>G variant is predicted to result in the amino acid substitution p.Ala33Gly. In an alternate transcript (NM_001286771.2), this variant is found within a non-coding region (c.-35544C>G). To our knowledge, this variant has not been reported in the literature or in a large population database, indicating this variant is rare. At this time, the clinical significance of this variant is uncertain due to the absence of conclusive functional and genetic evidence.